The following is an entry in ClinVar:

NM_001080414.4(CCDC88C):c.1101G>C (p.Glu367Asp)

Gene: CCDC88C (coiled-coil and HOOK domain protein 88C; minus strand). Cytogenetic location: 14q32.11.
Variant type: single nucleotide variant.
Coding change: c.1101G>C on transcript NM_001080414.4 (MANE Select); coding-DNA position 1101, G replaced by C.
Protein change: p.Glu367Asp; replaces glutamic acid 367 with aspartic acid.
Molecular consequence: missense variant. On other transcripts: non-coding transcript variant (2).
Genome position (GRCh38, 1-based): chr14:91,326,006, C>G on the plus strand (G>C on the coding strand, the complement: CCDC88C is on the minus strand). VCF-style: chr14-91326006-C-G. GRCh37 (hg19) VCF-style: chr14-91792350-C-G.
Other names: short protein forms E367D.
Identifiers: ClinVar variation 4526217 (VCV004526217.1).

ClinVar aggregate classification (germline): Uncertain significance (1 of 4 stars; one submission).

Submission:

Women's Health and Genetics/Laboratory Corporation of America, LabCorp
Classification: Uncertain significance. Last evaluated: 2025-07-24. Review status: criteria provided, single submitter. Criteria: LabCorp Variant Classification Summary - May 2015. Collection method: clinical testing. Allele origin: germline.
Comment: Variant summary: CCDC88C c.1101G>C (p.Glu367Asp) results in a conservative amino acid change in the encoded protein sequence. Algorithms developed to predict the effect of missense changes on protein structure and function are either unavailable or do not agree on the potential impact of this missense change. The variant was absent in 234160 control chromosomes. The available data on variant occurrences in the general population are insufficient to allow any conclusion about variant significance. To our knowledge, no occurrence of c.1101G>C in individuals affected with CCDC88C-Related Disorders and no experimental evidence demonstrating its impact on protein function have been reported. No submitters have cited clinical-significance assessments for this variant to ClinVar. Based on the evidence outlined above, the variant was classified as uncertain significance.